The following is an entry in ClinVar:

NM_006819.3(STIP1):c.81C>T (p.Tyr27=)

Gene: STIP1 (stress induced phosphoprotein 1; plus strand). Cytogenetic location: 11q13.1.
Variant type: single nucleotide variant.
Coding change: c.81C>T on transcript NM_006819.3 (MANE Select); coding-DNA position 81, C replaced by T.
Protein change: p.Tyr27=; no amino-acid change (tyrosine 27 retained).
Molecular consequence: synonymous variant.
Genome position (GRCh38, 1-based): chr11:64,193,149, C>T. VCF-style: chr11-64193149-C-T. GRCh37 (hg19) VCF-style: chr11-63960621-C-T.
Other names: c.222C>T, p.Tyr74= (NM_001282652.2); c.81C>T, p.Tyr27= (NM_001282653.2).
Identifiers: ClinVar variation 784215 (VCV000784215.28), dbSNP rs151183233, ClinGen allele CA6068078.

ClinVar aggregate classification (germline): Benign/Likely benign. Review status: criteria provided, multiple submitters, no conflicts (2 of 4 stars). 3 submissions from 3 submitters: Benign (2); Likely benign (1). Last evaluated 2022-07-01.

Allele frequency attached by ClinVar (database versions not stated): 1000 Genomes Project 30x 0.00109; 1000 Genomes Project 0.00120; TOPMed 0.00209; ExAC 0.00227; gnomAD exomes 0.00233 and 0.00329; gnomAD 0.00235 and 0.00239; ESP Exome Variant Server 0.00277.
gnomAD v4.1: 5,142 of 1,614,234 alleles (0.32%); highest among the groups gnomAD compares: Non-Finnish European, 0.37%; 9 homozygotes.

Submissions (3):

CeGaT Center for Human Genetics Tuebingen
Classification: Likely benign. Last evaluated: 2022-07-01. Review status: criteria provided, single submitter. Criteria: CeGaT Center For Human Genetics Tuebingen Variant Classification Criteria Version 2. Collection method: clinical testing. Allele origin: germline. Affected: yes. Observed: 1 variant allele.
Comment: STIP1: BP4, BP7

Labcorp Genetics (formerly Invitae), Labcorp
Classification: Benign. Last evaluated: 2018-03-29. Review status: criteria provided, single submitter. Criteria: Invitae Variant Classification Sherloc (09022015). Collection method: clinical testing. Allele origin: germline.

Breakthrough Genomics
Classification: Benign. Review status: criteria provided, single submitter. Criteria: ACMG Guidelines, 2015. Collection method: not provided. Allele origin: germline. Inheritance: Unknown mechanism. Affected: yes.